The following is an entry in ClinVar:

ClinVar aggregate classification (germline): Uncertain significance (1 of 4 stars; one submission).

Submission:

Labcorp Genetics (formerly Invitae), Labcorp
Classification: Uncertain significance. Last evaluated: 2023-11-18. Review status: criteria provided, single submitter. Criteria: Invitae Variant Classification Sherloc (09022015). Collection method: clinical testing. Allele origin: germline.
Comment: This sequence change replaces glutamine, which is neutral and polar, with arginine, which is basic and polar, at codon 22 of the RSPO2 protein (p.Gln22Arg). This variant is not present in population databases (gnomAD no frequency). This variant has not been reported in the literature in individuals affected with RSPO2-related conditions. Advanced modeling of protein sequence and biophysical properties (such as structural, functional, and spatial information, amino acid conservation, physicochemical variation, residue mobility, and thermodynamic stability) performed at Invitae indicates that this missense variant is not expected to disrupt RSPO2 protein function with a negative predictive value of 80%. In summary, the available evidence is currently insufficient to determine the role of this variant in disease. Therefore, it has been classified as a Variant of Uncertain Significance.

NM_178565.5(RSPO2):c.65A>G (p.Gln22Arg)

Genes: RSPO2 (R-spondin 2; minus strand), LOC124174315 (Sharpr-MPRA regulatory region 222; plus strand). Cytogenetic location: 8q23.1.
Variant type: single nucleotide variant.
Coding change: c.65A>G on transcript NM_178565.5 (MANE Select); coding-DNA position 65, A replaced by G.
Protein change: p.Gln22Arg; replaces glutamine 22 with arginine.
Molecular consequence: missense variant.
Genome position (GRCh38, 1-based): chr8:108,082,574, T>C on the plus strand (A>G on the coding strand, the complement: RSPO2 is on the minus strand). VCF-style: chr8-108082574-T-C. GRCh37 (hg19) VCF-style: chr8-109094802-T-C.
Other names: c.65A>G, p.Gln22Arg (NM_001282863.2); short protein forms Q22R.
Identifiers: ClinVar variation 2881057 (VCV002881057.3), dbSNP rs2487948867, ClinGen allele CA372037333.
Genomic context (GRCh38, chr8:108,082,574, plus strand): 5'-CACCACGCACCTTTGGCAGAGAGGGACCCACCTCGCTTACTGCGTCTCCATCGGTTGCCT[T>C]GGCAGTGGCTGTAATCCATGCAGTTCAGAATGATGAGGGCAAAGGAGAAAAGGCGAAACT-3'
Protein context (NP_848660.3, residues 12-32): ILNCMDYSHC[Gln22Arg]GNRWRRSKRA